The following is an entry in ClinVar:

ClinVar aggregate classification (germline): Likely benign. Review status: criteria provided, multiple submitters, no conflicts (2 of 4 stars). 7 submissions from 7 submitters: Likely benign (7). Last evaluated 2026-01-11.

Conditions:
Hereditary breast ovarian cancer syndrome. Also called: Breast and ovarian cancer; Hereditary breast and ovarian cancer; Hereditary breast and ovarian cancer syndrome; Hereditary breast and/or ovarian cancer syndrome; BRCA1- and BRCA2-Associated Hereditary Breast and Ovarian Cancer; Hereditary breast and ovarian cancer syndrome (HBOC). Identifiers: Orphanet 145, MedGen C0677776, MeSH D061325, MONDO:0003582. Disease mechanism: loss of function.
Breast-ovarian cancer, familial, susceptibility to, 1 (BROVCA1). Also called: BRCA1 Hereditary Breast and Ovarian Cancer; OVARIAN CANCER, SUSCEPTIBILITY TO. Identifiers: Orphanet 145, MedGen C2676676, MONDO:0011450, OMIM 604370. Disease mechanism: loss of function.
Hereditary cancer-predisposing syndrome. Also called: Tumor predisposition; Hereditary Cancer Syndrome; Neoplastic Syndromes, Hereditary; Hereditary neoplastic syndrome. Identifiers: Orphanet 140162, MedGen C0027672, MeSH D009386, MONDO:0015356.

Allele frequency attached by ClinVar (database versions not stated): TOPMed 0.00002.
gnomAD v4.1: 11 of 1,610,524 alleles (0.00068%); highest among the groups gnomAD compares: Middle Eastern, 0.016%; no homozygotes.

Submissions (8):

Labcorp Genetics (formerly Invitae), Labcorp
Classification: Likely benign for Hereditary breast ovarian cancer syndrome. Last evaluated: 2026-01-11. Review status: criteria provided, single submitter. Criteria: Invitae Variant Classification Sherloc (09022015). Collection method: clinical testing. Allele origin: germline.

Myriad Genetics, Inc.
Classification: Likely benign for Breast-ovarian cancer, familial, susceptibility to, 1. Last evaluated: 2024-11-15. Review status: criteria provided, single submitter. Criteria: Myriad Autosomal Dominant, Autosomal Recessive and X-Linked Classification Criteria (2023). Collection method: clinical testing. Allele origin: unknown.
Comment: This variant is considered likely benign. This variant is intronic and is not expected to impact mRNA splicing. This variant is strongly associated with less severe personal and family histories of cancer, typical for individuals without pathogenic variants in this gene [PMID: 25085752].

All of Us Research Program, National Institutes of Health
Classification: Likely benign for Breast-ovarian cancer, familial, susceptibility to, 1. Last evaluated: 2023-11-28. Review status: criteria provided, single submitter. Criteria: ACMG Guidelines, 2015. Collection method: clinical testing. Allele origin: germline. Inheritance: Autosomal dominant inheritance. Observed: 3 variant alleles, 3 heterozygotes.
Comment: This study involves interpretation of variants in research participants for the purpose of population health screening. Participant phenotype was not available at the time of variant classification. Additional details can be found in publication PMID: 35346344, PMCID: PMC8962531

KCCC/NGS Laboratory, Kuwait Cancer Control Center
Classification: Likely benign for Breast-ovarian cancer, familial, susceptibility to, 1. Last evaluated: 2023-07-07. Review status: criteria provided, single submitter. Criteria: ACMG Guidelines, 2015. Collection method: clinical testing. Allele origin: germline. Affected: yes.

Mendelics
Classification: Likely benign for Breast-ovarian cancer, familial, susceptibility to, 1. Last evaluated: 2019-05-28. Review status: criteria provided, single submitter. Criteria: Mendelics Assertion Criteria 2017. Collection method: clinical testing. Allele origin: unknown.

Color Diagnostics, LLC DBA Color Health
Classification: Likely benign for Hereditary cancer-predisposing syndrome. Last evaluated: 2016-12-02. Review status: criteria provided, single submitter. Criteria: ACMG Guidelines, 2015. Collection method: clinical testing. Allele origin: germline.

Institute for Biomarker Research, Medical Diagnostic Laboratories, L.L.C.
Classification: Likely benign for Hereditary breast ovarian cancer syndrome. Last evaluated: 2016-04-25. Review status: criteria provided, single submitter. Criteria: ACMG Guidelines, 2015. Collection method: clinical testing. Allele origin: germline.

Brotman Baty Institute, University of Washington
No classification provided (evidence only). Condition: Breast-ovarian cancer, familial 1. Review status: no classification provided. Collection method: in vitro. Allele origin: not applicable. Functional consequence: functionally_normal. Not counted in ClinVar's aggregate classification.
ClinVar note: "not provided" was previously submitted as the classification for the variant. However, the classification appeared to be based only on an observation of functional data so it was converted to no classification on 2025-07-30.

Literature cited by the submitters: PubMed 25085752 (cited by Myriad Genetics, Inc.).

NM_007294.4(BRCA1):c.81-14C>G

Gene: BRCA1 (BRCA1 DNA repair associated; minus strand). Cytogenetic location: 17q21.31.
Variant type: single nucleotide variant.
Coding change: c.81-14C>G on transcript NM_007294.4 (MANE Select); 14 bases into the intron before coding-DNA position 81, C replaced by G.
Molecular consequence: intron variant.
Genome position (GRCh38, 1-based): chr17:43,115,793, G>C on the plus strand (C>G on the coding strand, the complement: BRCA1 is on the minus strand). VCF-style: chr17-43115793-G-C. GRCh37 (hg19) VCF-style: chr17-41267810-G-C.
Other names: c.81-14C>G (NM_007300.3, NM_001407686.1, NM_001408397.1 and 192 more transcripts); c.-61-14C>G (NM_001408458.1, NM_001408470.1, NM_001407848.1 and 47 more transcripts); c.-219+9484C>G (NM_001407967.1); c.-170+9484C>G (NM_001407959.1); c.-7-9260C>G (NM_001407931.1, NM_001407747.1, NM_001408511.1 and 2 more transcripts); c.-223-14C>G (NM_001407962.1, NM_001408512.1, NM_001408510.1 and 1 more transcripts); c.-108-14C>G (NM_001407885.1, NM_001407886.1, NM_001408509.1 and 52 more transcripts); c.-177-14C>G (NM_001407746.1, NM_001408468.1, NM_001407842.1 and 13 more transcripts); and 10 more.
Identifiers: ClinVar variation 225762 (VCV000225762.22), dbSNP rs80358006, ClinGen allele CA059748.